The following is an entry in ClinVar:

NM_019074.4(DLL4):c.382G>A (p.Asp128Asn)

Gene: DLL4 (delta like canonical Notch ligand 4; plus strand). Cytogenetic location: 15q15.1.
Variant type: single nucleotide variant.
Coding change: c.382G>A on transcript NM_019074.4 (MANE Select); coding-DNA position 382, G replaced by A.
Protein change: p.Asp128Asn; replaces aspartic acid 128 with asparagine.
Molecular consequence: missense variant.
Genome position (GRCh38, 1-based): chr15:40,930,670, G>A. VCF-style: chr15-40930670-G-A. GRCh37 (hg19) VCF-style: chr15-41222868-G-A.
Other names: c.382G>A (NM_019074.3); short protein forms D128N.
Identifiers: ClinVar variation 1345645 (VCV001345645.9), dbSNP rs374022749, ClinGen allele CA7487658.

ClinVar aggregate classification (germline): Conflicting classifications of pathogenicity. Review status: criteria provided, conflicting classifications (1 of 4 stars). 5 submissions from 5 submitters: Uncertain significance (3); Likely benign (2). Last evaluated 2025-07-31.

Conditions:
DLL4-related disorder. Also called: DLL4-related condition.
Inborn genetic diseases. Identifiers: MedGen C0950123, MeSH D030342.
Adams-Oliver syndrome 6 (AOS6). Identifiers: Orphanet 974, MedGen C4225271, MONDO:0014703, OMIM 616589.

Allele frequency attached by ClinVar (database versions not stated): ExAC 0.00005; ESP Exome Variant Server 0.00016.
gnomAD v4.1: 58 of 1,613,664 alleles (0.0036%); highest among the groups gnomAD compares: Admixed American, 0.015%; no homozygotes.

Submissions (5):

Labcorp Genetics (formerly Invitae), Labcorp
Classification: Uncertain significance. Last evaluated: 2025-07-31. Review status: criteria provided, single submitter. Criteria: Invitae Variant Classification Sherloc (09022015). Collection method: clinical testing. Allele origin: germline.
Comment: This sequence change replaces aspartic acid, which is acidic and polar, with asparagine, which is neutral and polar, at codon 128 of the DLL4 protein (p.Asp128Asn). This variant is present in population databases (rs374022749, gnomAD 0.01%). This variant has not been reported in the literature in individuals affected with DLL4-related conditions. ClinVar contains an entry for this variant (Variation ID: 1345645). Invitae Evidence Modeling of protein sequence and biophysical properties (such as structural, functional, and spatial information, amino acid conservation, physicochemical variation, residue mobility, and thermodynamic stability) indicates that this missense variant is not expected to disrupt DLL4 protein function with a negative predictive value of 80%. In summary, the available evidence is currently insufficient to determine the role of this variant in disease. Therefore, it has been classified as a Variant of Uncertain Significance.

PreventionGenetics, part of Exact Sciences
Classification: Uncertain significance for DLL4-related condition. Last evaluated: 2025-01-06. Review status: criteria provided, single submitter. Criteria: ACMG Guidelines, 2015. Collection method: clinical testing. Allele origin: germline.
Comment: The DLL4 c.382G>A variant is predicted to result in the amino acid substitution p.Asp128Asn. To our knowledge, this variant has not been reported in the literature. This variant is reported in 0.014% of alleles in individuals of Latino descent in gnomAD. Although we suspect that this variant may be benign, at this time, the clinical significance of this variant is uncertain due to the absence of conclusive functional and genetic evidence.

Blueprint Genetics
Classification: Likely benign. Last evaluated: 2023-08-31. Review status: criteria provided, single submitter. Criteria: ACMG Guidelines, 2015. Collection method: clinical testing. Allele origin: germline.

Ambry Genetics
Classification: Likely benign for Inborn genetic diseases. Last evaluated: 2022-08-11. Review status: criteria provided, single submitter. Criteria: Ambry Variant Classification Scheme 2023. Collection method: clinical testing. Allele origin: germline.

Fulgent Genetics
Classification: Uncertain significance for Adams-Oliver syndrome 6. Last evaluated: 2021-07-16. Review status: criteria provided, single submitter. Criteria: ACMG Guidelines, 2015. Collection method: clinical testing. Allele origin: unknown.